The following is an entry in ClinVar:

ClinVar aggregate classification (germline): Pathogenic (1 of 4 stars; one submission).

Conditions:
Joubert syndrome. Also called: CEREBELLOPARENCHYMAL DISORDER IV; JOUBERT-BOLTSHAUSER SYNDROME; Familial aplasia of the vermis. Identifiers: Orphanet 475, MedGen C5979921, MONDO:0018772.
Nephronophthisis. Also called: Juvenile Nephronophthisis. Identifiers: Orphanet 655, MedGen C0687120, MONDO:0019005, HP:0000090.
Meckel-Gruber syndrome. Also called: DYSENCEPHALIA SPLANCHNOCYSTICA; GRUBER SYNDROME; Dysencephalia splachnocystica. Identifiers: Orphanet 564, MedGen C0265215, MONDO:0018921.

Submission:

Labcorp Genetics (formerly Invitae), Labcorp
Classification: Pathogenic for Joubert syndrome; Meckel-Gruber syndrome; Nephronophthisis. Last evaluated: 2023-05-11. Review status: criteria provided, single submitter. Criteria: Invitae Variant Classification Sherloc (09022015). Collection method: clinical testing. Allele origin: germline.
Comment: This variant has not been reported in the literature in individuals affected with CEP290-related conditions. For these reasons, this variant has been classified as Pathogenic. This variant is not present in population databases (gnomAD no frequency). This sequence change creates a premature translational stop signal (p.Glu1246Aspfs*45) in the CEP290 gene. It is expected to result in an absent or disrupted protein product. Loss-of-function variants in CEP290 are known to be pathogenic (PMID: 16909394, 17345604, 20690115).

Literature cited by the submitters: PubMed 16909394; PubMed 17345604; PubMed 20690115.

NM_025114.4(CEP290):c.3738del (p.Glu1246fs)

Gene: CEP290 (centrosomal protein 290; minus strand). Cytogenetic location: 12q21.32.
Variant type: Deletion.
Coding change: c.3738del on transcript NM_025114.4 (MANE Select); coding-DNA position 3738, one base deleted (A; older notation c.3738delA).
Protein change: p.Glu1246fs; shifts the reading frame from glutamic acid 1246.
Molecular consequence: frameshift variant.
Genome position (GRCh38, 1-based): chr12:88,089,323, T deleted on the plus strand (A on the coding strand, the reverse complement: CEP290 is on the minus strand); the first of 2 consecutive T bases (chr12:88,089,323-88,089,324); deleting either gives the same sequence. VCF-style (leftmost placement, unchanged base first): chr12-88089322-GT-G. GRCh37 (hg19) VCF-style: chr12-88483099-GT-G.
Other names: short protein forms E1246fs.
Identifiers: ClinVar variation 2947622 (VCV002947622.3), dbSNP rs2500112677, ClinGen allele CA2740092488.
Genomic context (GRCh38, chr12:88,089,322, plus strand): 5'-TTGTTTGGCGCAGATGTTTTGCTCTGTTTCTTCCCTCCAAACGAGCATAATAGAGAGCCT[GT>G]TCTTTTTCATCAAGTTTCTGCTCTAAGCGCAAGTTGTAGGCCTCCATCTTCTGCAGTTTA-3'